The following is an entry in ClinVar:

NM_080911.3(UNG):c.348del (p.Phe117fs)

Gene: UNG (uracil DNA glycosylase; plus strand). Cytogenetic location: 12q24.11.
Variant type: Deletion.
Coding change: c.348del on transcript NM_080911.3 (MANE Select); coding-DNA position 348, one base deleted (A; older notation c.348delA).
Protein change: p.Phe117fs; shifts the reading frame from phenylalanine 117.
Molecular consequence: frameshift variant.
Genome position (GRCh38, 1-based): chr12:109,099,197, A deleted. VCF-style (leftmost placement, unchanged base first): chr12-109099196-GA-G. GRCh37 (hg19) VCF-style: chr12-109537001-GA-G.
Other names: c.321del, p.Phe108fs (NM_003362.4); short protein forms F108fs, F117fs.
Identifiers: ClinVar variation 3653806 (VCV003653806.2).

ClinVar aggregate classification (germline): Pathogenic (1 of 4 stars; one submission).

Conditions:
Hyper-IgM syndrome type 5 (HIGM5). Also called: Hyper-IgM Immunodeficiency Syndrome, Type 5. Identifiers: Orphanet 101092, MedGen C1720958, MONDO:0011971, OMIM 608106.

Submission:

Labcorp Genetics (formerly Invitae), Labcorp
Classification: Pathogenic for Hyper-IgM syndrome type 5. Last evaluated: 2024-05-22. Review status: criteria provided, single submitter. Criteria: Invitae Variant Classification Sherloc (09022015). Collection method: clinical testing. Allele origin: germline.
Comment: This sequence change creates a premature translational stop signal (p.Phe117Leufs*27) in the UNG gene. It is expected to result in an absent or disrupted protein product. Loss-of-function variants in UNG are known to be pathogenic (PMID: 12958596). This variant is not present in population databases (gnomAD no frequency). This variant has not been reported in the literature in individuals affected with UNG-related conditions. For these reasons, this variant has been classified as Pathogenic.

Literature cited by the submitters: PubMed 12958596.